The following is an entry in ClinVar:

NM_000168.6(GLI3):c.*3238C>T

Gene: GLI3 (GLI family zinc finger 3; minus strand). Cytogenetic location: 7p14.1.
Variant type: single nucleotide variant.
Coding change: c.*3238C>T on transcript NM_000168.6 (MANE Select); 3238 bases downstream of the stop codon, C replaced by T.
Molecular consequence: 3 prime UTR variant.
Genome position (GRCh38, 1-based): chr7:41,961,092, G>A on the plus strand (C>T on the coding strand, the complement: GLI3 is on the minus strand). VCF-style: chr7-41961092-G-A. GRCh37 (hg19) VCF-style: chr7-42000690-G-A.
Identifiers: ClinVar variation 360159 (VCV000360159.5), dbSNP rs372628047, ClinGen allele CA10626077.

ClinVar aggregate classification (germline): Benign. Review status: criteria provided, single submitter (1 of 4 stars). 3 submissions from 1 submitter: Benign (3). Last evaluated 2018-01-12.

Conditions:
Polydactyly. Also called: polydactylism. Identifiers: MedGen C0152427, MONDO:0021003, OMIM 603596, HP:0010442.
Pallister-Hall syndrome (PHS). Also called: HYPOTHALAMIC HAMARTOBLASTOMA, HYPOPITUITARISM, IMPERFORATE ANUS, AND POSTAXIAL POLYDACTYLY; GLI3-Related Pallister-Hall Syndrome. Identifiers: Orphanet 672, MedGen C0265220, MONDO:0007804, OMIM 146510.
Greig cephalopolysyndactyly syndrome (GCPS). Also called: POLYSYNDACTYLY WITH PECULIAR SKULL SHAPE; Greig syndrome; GLI3-Related Greig Cephalopolysyndactyly Syndrome. Identifiers: Orphanet 380, MedGen C0265306, MONDO:0008287, OMIM 175700.

Allele frequency attached by ClinVar (database versions not stated): TOPMed 0.00010; 1000 Genomes Project 30x 0.00187; 1000 Genomes Project 0.00220.

Submissions (3):

Illumina Laboratory Services, Illumina
Classification: Benign for Pallister-Hall syndrome. Last evaluated: 2018-01-12. Review status: criteria provided, single submitter. Criteria: ICSL Variant Classification Criteria 13 December 2019. Collection method: clinical testing. Allele origin: germline.
Comment: This variant was observed in the ICSL laboratory as part of a predisposition screen in an ostensibly healthy population. It had not been previously curated by ICSL or reported in the Human Gene Mutation Database (HGMD: prior to June 1st, 2018), and was therefore a candidate for classification through an automated scoring system. Utilizing variant allele frequency, disease prevalence and penetrance estimates, and inheritance mode, an automated score was calculated to assess if this variant is too frequent to cause the disease. Based on the score and internal cut-off values, a variant classified as benign is not then subjected to further curation. The score for this variant resulted in a classification of benign for this disease.

Illumina Laboratory Services, Illumina
Classification: Benign for Polydactyly. Last evaluated: 2018-01-12. Review status: criteria provided, single submitter. Criteria: ICSL Variant Classification Criteria 13 December 2019. Collection method: clinical testing. Allele origin: germline.
Comment: the same text as in the submission from Illumina Laboratory Services, Illumina above.

Illumina Laboratory Services, Illumina
Classification: Benign for Greig cephalopolysyndactyly syndrome. Last evaluated: 2018-01-12. Review status: criteria provided, single submitter. Criteria: ICSL Variant Classification Criteria 13 December 2019. Collection method: clinical testing. Allele origin: germline.
Comment: the same text as in the submission from Illumina Laboratory Services, Illumina above.